The following is an entry in ClinVar:

ClinVar aggregate classification (germline): Benign/Likely benign. Review status: criteria provided, multiple submitters, no conflicts (2 of 4 stars). 3 submissions from 3 submitters: Benign (1); Likely benign (1). 1 of the submissions does not count toward it. Last evaluated 2026-08-01.

Conditions:
IARS1-related disorder. Also called: IARS1-related condition.

Allele frequency attached by ClinVar (database versions not stated): ESP Exome Variant Server 0.00008; gnomAD 0.00025 and 0.00037; TOPMed 0.00025; gnomAD exomes 0.00050 and 0.00069; ExAC 0.00069; 1000 Genomes Project 30x 0.00125; 1000 Genomes Project 0.00160.
gnomAD v4.1: 799 of 1,612,102 alleles (0.05%); highest among the groups gnomAD compares: East Asian, 0.72%; 5 homozygotes.

Submissions (3):

CeGaT Center for Human Genetics Tuebingen
Classification: Likely benign. Last evaluated: 2026-08-01. Review status: criteria provided, single submitter. Criteria: CeGaT Center For Human Genetics Tuebingen Variant Classification Criteria Version 2. Collection method: clinical testing. Allele origin: germline. Affected: yes. Observed: 5 variant alleles.
Comment: IARS1: BP4, BP7

Labcorp Genetics (formerly Invitae), Labcorp
Classification: Benign. Last evaluated: 2025-12-29. Review status: criteria provided, single submitter. Criteria: Invitae Variant Classification Sherloc (09022015). Collection method: clinical testing. Allele origin: germline.

PreventionGenetics, part of Exact Sciences
Classification: Likely benign for IARS1-related condition. Last evaluated: 2019-02-20. Review status: no assertion criteria provided. Collection method: clinical testing. Allele origin: germline. Not counted in ClinVar's aggregate classification.
Comment: This variant is classified as likely benign based on ACMG/AMP sequence variant interpretation guidelines (Richards et al. 2015 PMID: 25741868, with internal and published modifications).

NM_002161.6(IARS1):c.1170C>T (p.Ala390=)

Gene: IARS1 (isoleucyl-tRNA synthetase 1; minus strand). Cytogenetic location: 9q22.31.
Variant type: single nucleotide variant.
Coding change: c.1170C>T on transcript NM_002161.6 (MANE Select); coding-DNA position 1170, C replaced by T.
Protein change: p.Ala390=; no amino-acid change (alanine 390 retained).
Molecular consequence: synonymous variant. On other transcripts: non-coding transcript variant (1).
Genome position (GRCh38, 1-based): chr9:92,271,020, G>A on the plus strand (C>T on the coding strand, the complement: IARS1 is on the minus strand). VCF-style: chr9-92271020-G-A. GRCh37 (hg19) VCF-style: chr9-95033302-G-A.
Other names: c.1170C>T, p.Ala390= (NM_001374299.1, NM_001374300.1, NM_001374301.1 and 1 more transcripts).
Identifiers: ClinVar variation 782859 (VCV000782859.32), dbSNP rs79939916, ClinGen allele CA5122716.